The following is an entry in ClinVar:

ClinVar aggregate classification (germline): Uncertain significance. Review status: criteria provided, multiple submitters, no conflicts (2 of 4 stars). 2 submissions from 2 submitters: Uncertain significance (2). Last evaluated 2023-10-27.

Conditions:
Emery-Dreifuss muscular dystrophy 5, autosomal dominant (EDMD5). Also called: EMERY-DREIFUSS MUSCULAR DYSTROPHY 5. Identifiers: Orphanet 261, MedGen C2751805, MONDO:0013072, OMIM 612999.

Allele frequency attached by ClinVar (database versions not stated): gnomAD exomes 0.00001; ExAC 0.00002; gnomAD 0.00002; TOPMed 0.00003.
gnomAD v4.1: 10 of 1,613,098 alleles (0.00062%); highest among the groups gnomAD compares: East Asian, 0.018%; no homozygotes.

Submissions (2):

Labcorp Genetics (formerly Invitae), Labcorp
Classification: Uncertain significance for Emery-Dreifuss muscular dystrophy 5, autosomal dominant. Last evaluated: 2023-10-27. Review status: criteria provided, single submitter. Criteria: Invitae Variant Classification Sherloc (09022015). Collection method: clinical testing. Allele origin: germline.
Comment: This sequence change replaces phenylalanine, which is neutral and non-polar, with cysteine, which is neutral and slightly polar, at codon 4992 of the SYNE2 protein (p.Phe4992Cys). This variant is present in population databases (rs780875684, gnomAD 0.05%), and has an allele count higher than expected for a pathogenic variant. This variant has not been reported in the literature in individuals affected with SYNE2-related conditions. ClinVar contains an entry for this variant (Variation ID: 2470556). An algorithm developed to predict the effect of missense changes on protein structure and function (PolyPhen-2) suggests that this variant is likely to be disruptive. In summary, the available evidence is currently insufficient to determine the role of this variant in disease. Therefore, it has been classified as a Variant of Uncertain Significance.

Ambry Genetics
Classification: Uncertain significance. Last evaluated: 2023-02-23. Review status: criteria provided, single submitter. Criteria: Ambry Variant Classification Scheme 2023. Collection method: clinical testing. Allele origin: germline.

NM_182914.3(SYNE2):c.14975T>G (p.Phe4992Cys)

Gene: SYNE2 (spectrin repeat containing nuclear envelope protein 2; plus strand). Cytogenetic location: 14q23.2.
Variant type: single nucleotide variant.
Coding change: c.14975T>G on transcript NM_182914.3 (MANE Select); coding-DNA position 14975, T replaced by G.
Protein change: p.Phe4992Cys; replaces phenylalanine 4992 with cysteine.
Molecular consequence: missense variant.
Genome position (GRCh38, 1-based): chr14:64,140,072, T>G. VCF-style: chr14-64140072-T-G. GRCh37 (hg19) VCF-style: chr14-64606790-T-G.
Other names: c.14975T>G, p.Phe4992Cys (NM_015180.6); short protein forms F4992C.
Identifiers: ClinVar variation 2470556 (VCV002470556.5), dbSNP rs780875684, ClinGen allele CA7222926.